The following is an entry in ClinVar:

NM_001330311.2(DVL1):c.2000C>A (p.Ala667Asp)

Gene: DVL1 (dishevelled segment polarity protein 1; minus strand). Cytogenetic location: 1p36.33.
Variant type: single nucleotide variant.
Coding change: c.2000C>A on transcript NM_001330311.2 (MANE Select); coding-DNA position 2000, C replaced by A.
Protein change: p.Ala667Asp; replaces alanine 667 with aspartic acid.
Molecular consequence: missense variant.
Genome position (GRCh38, 1-based): chr1:1,336,230, G>T on the plus strand (C>A on the coding strand, the complement: DVL1 is on the minus strand). VCF-style: chr1-1336230-G-T. GRCh37 (hg19) VCF-style: chr1-1271610-G-T.
Other names: c.1925C>A, p.Ala642Asp (NM_004421.3); short protein forms A667D, A642D.
Identifiers: ClinVar variation 3001953 (VCV003001953.3), dbSNP rs915847905, ClinGen allele CA16749953.

ClinVar aggregate classification (germline): Uncertain significance (1 of 4 stars; one submission).

Submission:

Labcorp Genetics (formerly Invitae), Labcorp
Classification: Uncertain significance. Last evaluated: 2023-05-17. Review status: criteria provided, single submitter. Criteria: Invitae Variant Classification Sherloc (09022015). Collection method: clinical testing. Allele origin: germline.
Comment: This sequence change replaces alanine, which is neutral and non-polar, with aspartic acid, which is acidic and polar, at codon 642 of the DVL1 protein (p.Ala642Asp). This variant is not present in population databases (gnomAD no frequency). This variant has not been reported in the literature in individuals affected with DVL1-related conditions. In summary, the available evidence is currently insufficient to determine the role of this variant in disease. Therefore, it has been classified as a Variant of Uncertain Significance. Advanced modeling of protein sequence and biophysical properties (such as structural, functional, and spatial information, amino acid conservation, physicochemical variation, residue mobility, and thermodynamic stability) performed at Invitae indicates that this missense variant is not expected to disrupt DVL1 protein function.